The following is an entry in ClinVar:

NM_001374736.1(DST):c.3964-3T>C

Gene: DST (dystonin; minus strand). Cytogenetic location: 6p12.1.
Variant type: single nucleotide variant.
Coding change: c.3964-3T>C on transcript NM_001374736.1 (MANE Select); 3 bases into the intron before coding-DNA position 3964, T replaced by C.
Molecular consequence: intron variant.
Genome position (GRCh38, 1-based): chr6:56,631,392, A>G on the plus strand (T>C on the coding strand, the complement: DST is on the minus strand). VCF-style: chr6-56631392-A-G. GRCh37 (hg19) VCF-style: chr6-56496190-A-G.
Other names: c.3865-3T>C (NM_001144769.5); c.3964-3T>C (NM_001374722.1); c.3991-3T>C (NM_001374734.1); c.3451-3T>C (NM_001144770.2); c.3331-3T>C (NM_001374730.1, NM_001386100.1, NM_183380.4 and 1 more transcripts); c.2353-3T>C (NM_015548.5, NM_001723.7).
Identifiers: ClinVar variation 569143 (VCV000569143.9), dbSNP rs1436091600, ClinGen allele CA567382166.
Genomic context (GRCh38, chr6:56,631,392, plus strand): 5'-ACTTATTTGTGATTGTTCCCAAATCATCTTTAAGTCGTTCCAGCTCTTTCTTTAGTTTCT[A>G]TAAAACAGAGAACAAACAAAGGTATCAGGCCATCACCTGTGATGAGGTGTTTTTCTTAAA-3'

ClinVar aggregate classification (germline): Uncertain significance (1 of 4 stars; one submission).

Conditions:
Hereditary sensory and autonomic neuropathy type 6. Also called: Neuropathy, hereditary sensory and autonomic, type VI; HSAN VI. Identifiers: Orphanet 314381, MedGen C3539003, MONDO:0013839, OMIM 614653.
Epidermolysis bullosa simplex 3, localized or generalized intermediate, with BP230 deficiency (EBS3). Also called: Epidermolysis bullosa simplex due to BP230 deficiency; Epidermolysis bullosa simplex, autosomal recessive 2. Identifiers: Orphanet 412181, MedGen C3809470, MONDO:0014180, OMIM 615425.

Allele frequency attached by ClinVar (database versions not stated): gnomAD 0.00001; gnomAD exomes 0.00001; TOPMed 0.00001.
gnomAD v4.1: 12 of 1,613,264 alleles (0.00074%); highest among the groups gnomAD compares: Non-Finnish European, 0.001%; no homozygotes.

Submission:

Labcorp Genetics (formerly Invitae), Labcorp
Classification: Uncertain significance for Epidermolysis bullosa simplex 3, localized or generalized intermediate, with BP230 deficiency; Hereditary sensory and autonomic neuropathy type 6. Last evaluated: 2018-03-10. Review status: criteria provided, single submitter. Criteria: Invitae Variant Classification Sherloc (09022015). Collection method: clinical testing. Allele origin: germline.
Comment: This variant is not present in population databases (ExAC no frequency). This sequence change falls in intron 15 of the DST gene. It does not directly change the encoded amino acid sequence of the DST protein, but it affects a nucleotide within the consensus splice site of the intron. This variant has not been reported in the literature in individuals with DST-related disease. In summary, the available evidence is currently insufficient to determine the role of this variant in disease. Therefore, it has been classified as a Variant of Uncertain Significance. Nucleotide substitutions within the consensus splice site are a relatively common cause of aberrant splicing (PMID: 17576681, 9536098). Algorithms developed to predict the effect of sequence changes on RNA splicing suggest that this variant is not likely to affect RNA splicing, but this prediction has not been confirmed by published transcriptional studies.

Literature cited by the submitters: PubMed 17576681; PubMed 9536098.